The following is an entry in ClinVar:

ClinVar aggregate classification (germline): Uncertain significance (1 of 4 stars; one submission).

Submission:

GeneDx
Classification: Uncertain significance. Last evaluated: 2026-08-07. Review status: criteria provided, single submitter. Criteria: GeneDx Variant Classification Process June 2021. Collection method: clinical testing. Allele origin: germline.
Comment: Not observed at significant frequency in large population cohorts (gnomAD); In silico analysis supports that this missense variant has a deleterious effect on protein structure/function; Has not been previously published as pathogenic or benign to our knowledge; This variant is associated with the following publications: (PMID: 26100331, 25609763, 25512093)

NM_001376.5(DYNC1H1):c.5159C>G (p.Ser1720Cys)

Gene: DYNC1H1 (dynein cytoplasmic 1 heavy chain 1; plus strand). Cytogenetic location: 14q32.31.
Variant type: single nucleotide variant.
Coding change: c.5159C>G on transcript NM_001376.5 (MANE Select); coding-DNA position 5159, C replaced by G.
Protein change: p.Ser1720Cys; replaces serine 1720 with cysteine.
Molecular consequence: missense variant.
Genome position (GRCh38, 1-based): chr14:102,004,871, C>G. VCF-style: chr14-102004871-C-G. GRCh37 (hg19) VCF-style: chr14-102471208-C-G.
Other names: short protein forms S1720C.
Identifiers: ClinVar variation 1801184 (VCV001801184.2), dbSNP rs2503739040, ClinGen allele CA391045511.